The following is an entry in ClinVar:

NM_006009.4(TUBA1A):c.657T>C (p.Ile219=)

Gene: TUBA1A (tubulin alpha 1a; minus strand). Cytogenetic location: 12q13.12.
Variant type: single nucleotide variant.
Coding change: c.657T>C on transcript NM_006009.4 (MANE Select); coding-DNA position 657, T replaced by C.
Protein change: p.Ile219=; no amino-acid change (isoleucine 219 retained).
Molecular consequence: synonymous variant.
Genome position (GRCh38, 1-based): chr12:49,185,709, A>G on the plus strand (T>C on the coding strand, the complement: TUBA1A is on the minus strand). VCF-style: chr12-49185709-A-G. GRCh37 (hg19) VCF-style: chr12-49579492-A-G.
Other names: c.657T>C (NM_006009.3); c.657T>C, p.Ile219= (NM_001270399.2); c.552T>C, p.Ile184= (NM_001270400.2).
Identifiers: ClinVar variation 2915629 (VCV002915629.4), dbSNP rs146680997, ClinGen allele CA6550232.

ClinVar aggregate classification (germline): Likely benign. Review status: criteria provided, multiple submitters, no conflicts (2 of 4 stars). 2 submissions from 2 submitters: Likely benign (2). Last evaluated 2025-07-21.

Conditions:
TUBA1A-related disorder. Also called: TUBA1A-related condition.

Allele frequency attached by ClinVar (database versions not stated): gnomAD exomes 0.00004; ExAC 0.00007; gnomAD 0.00007; ESP Exome Variant Server 0.00015.

Submissions (2):

Labcorp Genetics (formerly Invitae), Labcorp
Classification: Likely benign. Last evaluated: 2025-07-21. Review status: criteria provided, single submitter. Criteria: Invitae Variant Classification Sherloc (09022015). Collection method: clinical testing. Allele origin: germline.

PreventionGenetics, part of Exact Sciences
Classification: Likely benign for TUBA1A-related condition. Last evaluated: 2024-12-28. Review status: criteria provided, single submitter. Criteria: ACMG Guidelines, 2015. Collection method: clinical testing. Allele origin: germline.
Comment: This variant is classified as likely benign based on ACMG/AMP sequence variant interpretation guidelines (Richards et al. 2015 PMID: 25741868, with internal and published modifications).